The following is an entry in ClinVar:

ClinVar aggregate classification (germline): Uncertain significance. Review status: criteria provided, multiple submitters, no conflicts (2 of 4 stars). 2 submissions from 2 submitters: Uncertain significance (2). Last evaluated 2025-03-04.

Conditions:
Intellectual developmental disorder, autosomal dominant 44, with microcephaly. Also called: Micrognathia-recurrent infections-behavioral abnormalities-mild intellectual disability syndrome; TRIO-Related Intellectual Disability. Identifiers: Orphanet 476126, MedGen C4310740, MONDO:0014892, OMIM 617061.

Allele frequency attached by ClinVar (database versions not stated): gnomAD 0.00001.
gnomAD v4.1: 1 of 1,613,018 alleles (0.000062%); highest among the groups gnomAD compares: Non-Finnish European, 0.000085%; no homozygotes.

Submissions (2):

Institute of Human Genetics, University of Leipzig Medical Center
Classification: Uncertain significance for Intellectual developmental disorder, autosomal dominant 44, with microcephaly. Last evaluated: 2025-03-04. Review status: criteria provided, single submitter. Criteria: ACMG Guidelines, 2015. Collection method: clinical testing. Allele origin: maternal. Inheritance: Autosomal dominant inheritance. Affected: yes.
Comment: Criteria applied: PM2_SUP,PP3.

GeneDx
Classification: Uncertain significance. Last evaluated: 2022-08-23. Review status: criteria provided, single submitter. Criteria: GeneDx Variant Classification Process June 2021. Collection method: clinical testing. Allele origin: germline. Affected: yes.
Comment: Not observed at significant frequency in large population cohorts (gnomAD); Has not been previously published as pathogenic or benign to our knowledge; In-silico analysis is inconclusive as to whether the variant alters gene splicing. In the absence of RNA/functional studies, the actual effect of this sequence change is unknown.

NM_007118.4(TRIO):c.1368G>A (p.Lys456=)

Gene: TRIO (trio Rho guanine nucleotide exchange factor; plus strand). Cytogenetic location: 5p15.2.
Variant type: single nucleotide variant.
Coding change: c.1368G>A on transcript NM_007118.4 (MANE Select); coding-DNA position 1368, G replaced by A.
Protein change: p.Lys456=; no amino-acid change (lysine 456 retained).
Molecular consequence: synonymous variant. On other transcripts: non-coding transcript variant (1).
Genome position (GRCh38, 1-based): chr5:14,297,263, G>A. VCF-style: chr5-14297263-G-A. GRCh37 (hg19) VCF-style: chr5-14297372-G-A.
Identifiers: ClinVar variation 2430454 (VCV002430454.3), dbSNP rs1737444321, ClinGen allele CA443273880.
Genomic context (GRCh38, chr5:14,297,263, plus strand): 5'-CCTGGATGAGCGGAGCACCTTGCTGGACATGTCCTCCATTTTCCACCAGAAGGCCGAAAA[G>A]GTCAGTGCCTTGAACCCCCAGCCCACGAGGTGGTAACCAGAATAGTTCTTCCTCCATGAA-3'
Protein context (NP_009049.2, residues 446-466): MSSIFHQKAE[Lys456=]YMSNVDSWCK